The following is an entry in ClinVar:

NM_025144.4(ALPK1):c.872A>T (p.Tyr291Phe)

Gene: ALPK1 (alpha kinase 1; plus strand). Cytogenetic location: 4q25.
Variant type: single nucleotide variant.
Coding change: c.872A>T on transcript NM_025144.4 (MANE Select); coding-DNA position 872, A replaced by T.
Protein change: p.Tyr291Phe; replaces tyrosine 291 with phenylalanine.
Molecular consequence: missense variant.
Genome position (GRCh38, 1-based): chr4:112,429,225, A>T. VCF-style: chr4-112429225-A-T. GRCh37 (hg19) VCF-style: chr4-113350381-A-T.
Other names: c.872A>T, p.Tyr291Phe (NM_001102406.2); c.638A>T, p.Tyr213Phe (NM_001253884.2); short protein forms Y213F, Y291F.
Identifiers: ClinVar variation 2785372 (VCV002785372.3), dbSNP rs758390294, ClinGen allele CA357889518.
Genomic context (GRCh38, chr4:112,429,225, plus strand): 5'-TTGACCACCATTTGCTGTCCGCTGCAGAAGCCTGCAAGCTGGCAGCTGCCTTCAGTGCCT[A>T]TACGCCGCTCTTCGTGCTCACAGCTGTGGTAAACGAATGCAGCCGCTCCTCAAACCCCCA-3'
Protein context (NP_079420.3, residues 281-301): ACKLAAAFSA[Tyr291Phe]TPLFVLTAVN

ClinVar aggregate classification (germline): Uncertain significance (1 of 4 stars; one submission).

gnomAD v4.1: 2 of 1,612,932 alleles (0.00012%); highest among the groups gnomAD compares: Non-Finnish European, 0.00017%; no homozygotes.

Submission:

Labcorp Genetics (formerly Invitae), Labcorp
Classification: Uncertain significance. Last evaluated: 2022-12-05. Review status: criteria provided, single submitter. Criteria: Invitae Variant Classification Sherloc (09022015). Collection method: clinical testing. Allele origin: germline.
Comment: In summary, the available evidence is currently insufficient to determine the role of this variant in disease. Therefore, it has been classified as a Variant of Uncertain Significance. Advanced modeling of protein sequence and biophysical properties (such as structural, functional, and spatial information, amino acid conservation, physicochemical variation, residue mobility, and thermodynamic stability) performed at Invitae indicates that this missense variant is not expected to disrupt ALPK1 protein function. This variant has not been reported in the literature in individuals affected with ALPK1-related conditions. This variant is not present in population databases (gnomAD no frequency). This sequence change replaces tyrosine, which is neutral and polar, with phenylalanine, which is neutral and non-polar, at codon 291 of the ALPK1 protein (p.Tyr291Phe).